The following is an entry in ClinVar:

ClinVar aggregate classification (germline): Uncertain significance. Review status: criteria provided, multiple submitters, no conflicts (2 of 4 stars). 3 submissions from 3 submitters: Uncertain significance (3). Last evaluated 2023-06-21.

Conditions:
Tuberous sclerosis 2 (TSC2). Identifiers: Orphanet 805, MedGen C1860707, MONDO:0013199, OMIM 613254.
Isolated focal cortical dysplasia type II (FCORD2). Also called: Focal cortical dysplasia type II; CORTICAL DYSPLASIA OF TAYLOR. Identifiers: Orphanet 268994, MedGen C1846385, MONDO:0011818, OMIM 607341, HP:0032051.
Lymphangiomyomatosis (LAM). Also called: Lymphangioleiomyomatosis; Lymphangioleiomyomatosis, somatic. Identifiers: Orphanet 538, MedGen C0751674, MONDO:0011705, OMIM 606690.

Submissions (3):

Labcorp Genetics (formerly Invitae), Labcorp
Classification: Uncertain significance for Tuberous sclerosis 2. Last evaluated: 2023-06-21. Review status: criteria provided, single submitter. Criteria: Invitae Variant Classification Sherloc (09022015). Collection method: clinical testing. Allele origin: germline.
Comment: This variant, c.1172_1174del, results in the deletion of 1 amino acid(s) of the TSC2 protein (p.Val391del), but otherwise preserves the integrity of the reading frame. This variant is not present in population databases (gnomAD no frequency). This variant has been observed in individual(s) with TSC2-related conditions (external communication). It has also been observed to segregate with disease in related individuals. ClinVar contains an entry for this variant (Variation ID: 626197). Experimental studies and prediction algorithms are not available or were not evaluated, and the functional significance of this variant is currently unknown. In summary, the available evidence is currently insufficient to determine the role of this variant in disease. Therefore, it has been classified as a Variant of Uncertain Significance.

GeneDx
Classification: Uncertain significance. Last evaluated: 2022-11-29. Review status: criteria provided, single submitter. Criteria: GeneDx Variant Classification Process June 2021. Collection method: clinical testing. Allele origin: germline. Affected: yes.
Comment: In-frame deletion of 1 amino acid in a non-repeat region; Not observed at significant frequency in large population cohorts (gnomAD); In silico analysis supports a deleterious effect on protein structure/function; Has not been previously published as pathogenic or benign to our knowledge; This variant is associated with the following publications: (PMID: 18466115)

Center for Genomics, Ann and Robert H. Lurie Children's Hospital of Chicago
Classification: Uncertain significance for Lymphangiomyomatosis; Isolated focal cortical dysplasia type II; Tuberous sclerosis 2. Review status: criteria provided, single submitter. Criteria: ACMG Guidelines, 2015. Collection method: clinical testing. Allele origin: germline.
Comment: TSC2 NM_000548.4 exon 12 p.Val391del (c.1172_1174delTGG): This variant has not been reported in the literature and is not present in large control databases. Evolutionary conservation and computational predictive tools for this variant are limited or unavailable. This variant represents an in-frame deletion of 1 amino acid at position 391 and is not predicted to alter the reading frame. However, the effect of this variant on the protein is unclear. In summary, data on this variant is insufficient for disease classification. Therefore, the clinical significance of this variant is uncertain.

NM_000548.5(TSC2):c.1172_1174del (p.Val391del)

Gene: TSC2 (TSC complex subunit 2; plus strand). Cytogenetic location: 16p13.3.
Variant type: Deletion.
Coding change: c.1172_1174del on transcript NM_000548.5 (MANE Select); coding-DNA positions 1172 to 1174, 3 bases deleted (TGG; older notation c.1172_1174delTGG).
Protein change: p.Val391del; deletes valine 391.
Molecular consequence: inframe deletion.
Genome position (GRCh38, 1-based): chr16:2,061,923-2,061,925, TGG deleted; deleting any 3 consecutive bases within chr16:2,061,921-2,061,925 gives the same sequence; the c. name uses the placement nearest the transcript's 3' end. VCF-style (leftmost placement, unchanged base first): chr16-2061920-CGGT-C. GRCh37 (hg19) VCF-style: chr16-2111921-CGGT-C.
Other names: c.1172_1174del, p.Val391del (NM_001077183.3, NM_001114382.3, NM_001363528.2 and 3 more transcripts); c.1061_1063del, p.Val354del (NM_001318827.2); c.1025_1027del, p.Val342del (NM_001318829.2); c.572_574del, p.Val191del (NM_001318831.2); c.1205_1207del, p.Val402del (NM_001318832.2); c.1172_1174del (NM_000548.3); short protein forms V354del, V402del, V391del, V191del, V342del.
Identifiers: ClinVar variation 626197 (VCV000626197.7), dbSNP rs1567428371, ClinGen allele CA913190427.
Genomic context (GRCh38, chr16:2,061,920, plus strand): 5'-TGGTACTGCAGACCTTGGACAGCCCGGAGCTCAGGACCATCGTCCATGACCTGTTGACCA[CGGT>C]GGAGGAGCTGTGTGACCAGAACGAGTTCCACGGGTCTCAGGAGAGATACTTTGAACTGGT-3'